The following is an entry in ClinVar:

NM_004560.4(ROR2):c.1674C>T (p.His558=)

Gene: ROR2 (ROR family WNT receptor 2; minus strand). Cytogenetic location: 9q22.31.
Variant type: single nucleotide variant.
Coding change: c.1674C>T on transcript NM_004560.4 (MANE Select); coding-DNA position 1674, C replaced by T.
Protein change: p.His558=; no amino-acid change (histidine 558 retained).
Molecular consequence: synonymous variant.
Genome position (GRCh38, 1-based): chr9:91,724,820, G>A on the plus strand (C>T on the coding strand, the complement: ROR2 is on the minus strand). VCF-style: chr9-91724820-G-A. GRCh37 (hg19) VCF-style: chr9-94487102-G-A.
Identifiers: ClinVar variation 3043281 (VCV003043281.2), dbSNP rs566937186, ClinGen allele CA5120614.

ClinVar aggregate classification (germline): Likely benign (0 of 4 stars; one submission).

Conditions:
ROR2-related disorder. Also called: ROR2-related disorders; ROR2-related condition.

Allele frequency attached by ClinVar (database versions not stated): gnomAD 0.00001; TOPMed 0.00003; ExAC 0.00004; gnomAD exomes 0.00005.
gnomAD v4.1: 66 of 1,607,000 alleles (0.0041%); highest among the groups gnomAD compares: African/African-American, 0.0053%; no homozygotes.

Submission:

PreventionGenetics, part of Exact Sciences
Classification: Likely benign for ROR2-related condition. Last evaluated: 2019-06-26. Review status: no assertion criteria provided. Collection method: clinical testing. Allele origin: germline.
Comment: This variant is classified as likely benign based on ACMG/AMP sequence variant interpretation guidelines (Richards et al. 2015 PMID: 25741868, with internal and published modifications).